The following is an entry in ClinVar:

NM_000089.4(COL1A2):c.659G>A (p.Gly220Asp)

Gene: COL1A2 (collagen type I alpha 2 chain; plus strand). Cytogenetic location: 7q21.3.
Variant type: single nucleotide variant.
Coding change: c.659G>A on transcript NM_000089.4 (MANE Select); coding-DNA position 659, G replaced by A.
Protein change: p.Gly220Asp; replaces glycine 220 with aspartic acid.
Molecular consequence: missense variant.
Genome position (GRCh38, 1-based): chr7:94,408,202, G>A. VCF-style: chr7-94408202-G-A. GRCh37 (hg19) VCF-style: chr7-94037514-G-A.
Other names: short protein forms G220D.
Identifiers: ClinVar variation 2935057 (VCV002935057.5), dbSNP rs779887555, ClinGen allele CA368220259.

ClinVar aggregate classification (germline): Pathogenic/Likely pathogenic. Review status: criteria provided, multiple submitters, no conflicts (2 of 4 stars). 3 submissions from 3 submitters: Pathogenic (2); Likely pathogenic (1). Last evaluated 2025-07-16.

Conditions:
Osteogenesis imperfecta type I (OI1). Also called: Classic Non-deforming Osteogenesis Imperfecta with Blue Sclerae; Osteogenesis imperfecta type 1; Lobstein disease; Lobstein's Disease; OI, TYPE I; OSTEOGENESIS IMPERFECTA TARDA. Identifiers: Orphanet 216796, Orphanet 666, MedGen C0023931, MONDO:0008146, OMIM 166200. Disease mechanism: loss of function.
Ehlers-Danlos syndrome, classic type, 1 (EDSCL1). Also called: EHLERS-DANLOS SYNDROME, GRAVIS TYPE; EHLERS-DANLOS SYNDROME, SEVERE CLASSIC TYPE; EDS I; Ehlers-Danlos syndrome, type 1; Ehlers-Danlos Syndrome, Classic Type, COL5A1-Related. Identifiers: MedGen C0268335, MONDO:0019567, OMIM 130000.
COL1A2-related disorder. Also called: COL1A2-related condition; COL1A2-Related Disorders.

Submissions (3):

Clinical Biomedical Laboratory, Shriners Hospital For Children - Canada
Classification: Pathogenic for Osteogenesis imperfecta type I. Last evaluated: 2025-07-16. Review status: criteria provided, single submitter. Criteria: ACMG Guidelines, 2015. Collection method: clinical testing. Allele origin: germline. Affected: yes.
Comment: This variant is predicted to substitute a glycine residue by an aspartic acid residue in the alpha 2 chain of collagen type I. Glycine substitutions in the triple helical domain of collagen type I cause disruption in the formation of the triple helix in the collagen molecule and are a typical cause of osteogenesis imperfecta, which is the diagnosis in the proband. This variant is absent from the Genome Aggregation Database (v2.1.1).

Labcorp Genetics (formerly Invitae), Labcorp
Classification: Likely pathogenic for Osteogenesis imperfecta type I; Ehlers-Danlos syndrome, classic type, 1. Last evaluated: 2023-06-14. Review status: criteria provided, single submitter. Criteria: Invitae Variant Classification Sherloc (09022015). Collection method: clinical testing. Allele origin: germline.
Comment: This sequence change replaces glycine, which is neutral and non-polar, with aspartic acid, which is acidic and polar, at codon 220 of the COL1A2 protein (p.Gly220Asp). This variant is not present in population databases (gnomAD no frequency). This variant has not been reported in the literature in individuals affected with COL1A2-related conditions. Advanced modeling of protein sequence and biophysical properties (such as structural, functional, and spatial information, amino acid conservation, physicochemical variation, residue mobility, and thermodynamic stability) performed at Invitae indicates that this missense variant is expected to disrupt COL1A2 protein function. This variant disrupts the triple helix domain of COL1A2. Glycine residues within the Gly-Xaa-Yaa repeats of the triple helix domain are required for the structure and stability of fibrillar collagens (PMID: 7695699, 8218237, 19344236). In COL1A2, variants affecting these glycine residues are significantly enriched in individuals with disease (PMID: 9016532, 17078022) compared to the general population (ExAC). In summary, the currently available evidence indicates that the variant is pathogenic, but additional data are needed to prove that conclusively. Therefore, this variant has been classified as Likely Pathogenic.

Blueprint Genetics
Classification: Pathogenic for COL1A2-related disorders. Last evaluated: 2020-11-03. Review status: criteria provided, single submitter. Criteria: ACMG Guidelines, 2015. Collection method: clinical testing. Allele origin: germline. Affected: yes. Observed: 1 variant allele.

Literature cited by the submitters: PubMed 7695699 (cited by Labcorp Genetics (formerly Invitae), Labcorp); PubMed 8218237 (cited by Labcorp Genetics (formerly Invitae), Labcorp); PubMed 19344236 (cited by Labcorp Genetics (formerly Invitae), Labcorp); PubMed 9016532 (cited by Labcorp Genetics (formerly Invitae), Labcorp); PubMed 17078022 (cited by Labcorp Genetics (formerly Invitae), Labcorp).